The following is an entry in ClinVar:

NM_007194.4(CHEK2):c.1114T>C (p.Ser372Pro)

Gene: CHEK2 (checkpoint kinase 2; minus strand). Cytogenetic location: 22q12.1.
Variant type: single nucleotide variant.
Coding change: c.1114T>C on transcript NM_007194.4 (MANE Select); coding-DNA position 1114, T replaced by C.
Protein change: p.Ser372Pro; replaces serine 372 with proline.
Molecular consequence: missense variant.
Genome position (GRCh38, 1-based): chr22:28,695,855, A>G on the plus strand (T>C on the coding strand, the complement: CHEK2 is on the minus strand). VCF-style: chr22-28695855-A-G. GRCh37 (hg19) VCF-style: chr22-29091843-A-G.
Other names: c.1243T>C, p.Ser415Pro (NM_001005735.3); c.451T>C, p.Ser151Pro (NM_001257387.3); c.913T>C, p.Ser305Pro (NM_001349956.3); c.1027T>C, p.Ser343Pro (NM_145862.3); short protein forms S372P, S305P, S415P, S151P, S343P.
Identifiers: ClinVar variation 530098 (VCV000530098.12), dbSNP rs1555913901, ClinGen allele CA411097105.

ClinVar aggregate classification (germline): Uncertain significance. Review status: criteria provided, multiple submitters, no conflicts (2 of 4 stars). 2 submissions from 2 submitters: Uncertain significance (2). Last evaluated 2021-06-20.

Conditions:
Familial cancer of breast. Also called: BREAST CANCER, FAMILIAL; Hereditary breast cancer; hereditary breast carcinoma. Identifiers: Orphanet 227535, MedGen C0346153, MONDO:0016419, OMIM 114480. Disease mechanism: loss of function.
Hereditary cancer-predisposing syndrome. Also called: Hereditary neoplastic syndrome; Neoplastic Syndromes, Hereditary; Hereditary Cancer Syndrome; Tumor predisposition. Identifiers: Orphanet 140162, MedGen C0027672, MeSH D009386, MONDO:0015356.

Submissions (2):

Ambry Genetics
Classification: Uncertain significance for Hereditary cancer-predisposing syndrome. Last evaluated: 2021-06-20. Review status: criteria provided, single submitter. Criteria: Ambry Variant Classification Scheme 2023. Collection method: clinical testing. Allele origin: germline.
Comment: The p.S372P variant (also known as c.1114T>C), located in coding exon 10 of the CHEK2 gene, results from a T to C substitution at nucleotide position 1114. The serine at codon 372 is replaced by proline, an amino acid with similar properties. This amino acid position is conserved. In addition, this alteration is predicted to be deleterious by in silico analysis. Since supporting evidence is limited at this time, the clinical significance of this alteration remains unclear.

Labcorp Genetics (formerly Invitae), Labcorp
Classification: Uncertain significance for Familial cancer of breast. Last evaluated: 2020-09-11. Review status: criteria provided, single submitter. Criteria: Invitae Variant Classification Sherloc (09022015). Collection method: clinical testing. Allele origin: germline.
Comment: This variant is not present in population databases (ExAC no frequency). This sequence change replaces serine with proline at codon 372 of the CHEK2 protein (p.Ser372Pro). The serine residue is highly conserved and there is a moderate physicochemical difference between serine and proline. In summary, the available evidence is currently insufficient to determine the role of this variant in disease. Therefore, it has been classified as a Variant of Uncertain Significance. Algorithms developed to predict the effect of missense changes on protein structure and function are either unavailable or do not agree on the potential impact of this missense change (SIFT: "Deleterious"; PolyPhen-2: "Probably Damaging"; Align-GVGD: "Class C0"). This variant has not been reported in the literature in individuals with CHEK2-related conditions. ClinVar contains an entry for this variant (Variation ID: 530098).